The following is an entry in ClinVar:

ClinVar aggregate classification (germline): Uncertain significance. Review status: criteria provided, multiple submitters, no conflicts (2 of 4 stars). 2 submissions from 2 submitters: Uncertain significance (2). Last evaluated 2025-01-05.

Conditions:
Gorlin syndrome. Also called: Nevoid Basal Cell Carcinoma Syndrome; Basal cell nevus syndrome. Identifiers: Orphanet 377, MedGen C0004779, MONDO:0007187.
Hereditary cancer-predisposing syndrome. Also called: Hereditary Cancer Syndrome; Hereditary neoplastic syndrome; Neoplastic Syndromes, Hereditary; Tumor predisposition. Identifiers: Orphanet 140162, MedGen C0027672, MeSH D009386, MONDO:0015356.

Submissions (2):

Ambry Genetics
Classification: Uncertain significance for Hereditary cancer-predisposing syndrome. Last evaluated: 2025-01-05. Review status: criteria provided, single submitter. Criteria: Ambry Variant Classification Scheme 2023. Collection method: clinical testing. Allele origin: germline.
Comment: The p.T71S variant (also known as c.211A>T), located in coding exon 2 of the PTCH1 gene, results from an A to T substitution at nucleotide position 211. The threonine at codon 71 is replaced by serine, an amino acid with similar properties. This amino acid position is conserved. In addition, the in silico prediction for this alteration is inconclusive. Based on the available evidence, the clinical significance of this variant remains unclear.

Labcorp Genetics (formerly Invitae), Labcorp
Classification: Uncertain significance for Gorlin syndrome. Last evaluated: 2023-03-27. Review status: criteria provided, single submitter. Criteria: Invitae Variant Classification Sherloc (09022015). Collection method: clinical testing. Allele origin: germline.
Comment: This variant is not present in population databases (gnomAD no frequency). In summary, the available evidence is currently insufficient to determine the role of this variant in disease. Therefore, it has been classified as a Variant of Uncertain Significance. Advanced modeling of protein sequence and biophysical properties (such as structural, functional, and spatial information, amino acid conservation, physicochemical variation, residue mobility, and thermodynamic stability) performed at Invitae indicates that this missense variant is not expected to disrupt PTCH1 protein function. This variant has not been reported in the literature in individuals affected with PTCH1-related conditions. This sequence change replaces threonine, which is neutral and polar, with serine, which is neutral and polar, at codon 71 of the PTCH1 protein (p.Thr71Ser).

NM_000264.5(PTCH1):c.211A>T (p.Thr71Ser)

Gene: PTCH1 (patched 1; minus strand). Cytogenetic location: 9q22.32.
Variant type: single nucleotide variant.
Coding change: c.211A>T on transcript NM_000264.5 (MANE Select); coding-DNA position 211, A replaced by T.
Protein change: p.Thr71Ser; replaces threonine 71 with serine.
Molecular consequence: missense variant. On other transcripts: 5 prime UTR variant (4), non-coding transcript variant (1).
Genome position (GRCh38, 1-based): chr9:95,506,590, T>A on the plus strand (A>T on the coding strand, the complement: PTCH1 is on the minus strand). VCF-style: chr9-95506590-T-A. GRCh37 (hg19) VCF-style: chr9-98268872-T-A.
Other names: c.13A>T, p.Thr5Ser (NM_001083602.3, NM_001354919.2); c.208A>T, p.Thr70Ser (NM_001083603.3); c.-243A>T (NM_001083604.3, NM_001083605.3, NM_001083606.3 and 1 more transcripts); c.211A>T, p.Thr71Ser (NM_001354918.2); short protein forms T70S, T71S, T5S.
Identifiers: ClinVar variation 2853852 (VCV002853852.4), dbSNP rs2118881282, ClinGen allele CA374120752.